The following is an entry in ClinVar:

ClinVar aggregate classification (germline): Conflicting classifications of pathogenicity. Review status: criteria provided, conflicting classifications (1 of 4 stars). 3 submissions from 3 submitters: Uncertain significance (1); Likely benign (1). 1 of the submissions does not count toward it. Last evaluated 2025-12-27.

Conditions:
Polyglandular autoimmune syndrome, type 1 (APS1). Also called: Autoimmune polyendocrinopathy syndrome , type I, with or without reversible metaphyseal dysplasia; AUTOIMMUNE POLYENDOCRINE SYNDROME, TYPE I, WITH OR WITHOUT REVERSIBLE METAPHYSEAL DYSPLASIA; APS I; Autoimmune polyendocrinopathy syndrome, type I; HYPOADRENOCORTICISM WITH HYPOPARATHYROIDISM AND SUPERFICIAL MONILIASIS; Autoimmune polyendocrine syndrome type 1. Identifiers: Orphanet 3453, MedGen C0085859, MONDO:0009411, OMIM 240300.

Allele frequency attached by ClinVar (database versions not stated): gnomAD exomes 0.00001 and 0.00002; gnomAD 0.00005; ExAC 0.00006; ESP Exome Variant Server 0.00008; TOPMed 0.00011; 1000 Genomes Project 30x 0.00016; 1000 Genomes Project 0.00020.

Submissions (3):

Labcorp Genetics (formerly Invitae), Labcorp
Classification: Likely benign for Polyglandular autoimmune syndrome, type 1. Last evaluated: 2025-12-27. Review status: criteria provided, single submitter. Criteria: Invitae Variant Classification Sherloc (09022015). Collection method: clinical testing. Allele origin: germline.

Center for Genomics, Ann and Robert H. Lurie Children's Hospital of Chicago
Classification: Uncertain significance for Polyglandular autoimmune syndrome, type 1. Last evaluated: 2022-03-02. Review status: criteria provided, single submitter. Criteria: ACMG Guidelines, 2015. Collection method: clinical testing. Allele origin: germline.
Comment: AIRE NM_000383.2 exon 2 p.Lys52= (c.156G>A): This variant has not been reported in the literature but is present in 0.01% (8/41244) of African alleles in the Genome Aggregation Database. This variant is present in ClinVar (Variation ID:737139). Evolutionary conservation and computational predictive tools for this variant are limited or unavailable. Of note, this variant is a silent variant and does not change the amino acid, reducing the probability that this variant is disease causing. In summary, data on this variant is insufficient for disease classification. Therefore, the clinical significance of this variant is uncertain.

Natera, Inc.
Classification: Uncertain significance for Polyglandular autoimmune syndrome type 1. Last evaluated: 2020-02-13. Review status: no assertion criteria provided. Collection method: clinical testing. Allele origin: germline. Not counted in ClinVar's aggregate classification.

NM_000383.4(AIRE):c.156G>A (p.Lys52=)

Gene: AIRE (autoimmune regulator; plus strand). Cytogenetic location: 21q22.3.
Variant type: single nucleotide variant.
Coding change: c.156G>A on transcript NM_000383.4 (MANE Select); coding-DNA position 156, G replaced by A.
Protein change: p.Lys52=; no amino-acid change (lysine 52 retained).
Molecular consequence: synonymous variant.
Genome position (GRCh38, 1-based): chr21:44,286,580, G>A. VCF-style: chr21-44286580-G-A. GRCh37 (hg19) VCF-style: chr21-45706463-G-A.
Identifiers: ClinVar variation 737139 (VCV000737139.12), dbSNP rs144396624, ClinGen allele CA10051489.
Genomic context (GRCh38, chr21:44,286,580, plus strand): 5'-GGACCATGGCAGGGACCCTCATGCCACCCCACTGCAGGAGACGCTTCATCTGAAGGAAAA[G>A]GAGGGCTGCCCCCAGGCCTTCCACGCCCTCCTGTCCTGGCTGCTGACCCAGGACTCCACA-3'
Protein context (NP_000374.1, residues 42-62): KFQETLHLKE[Lys52=]EGCPQAFHAL